The following is an entry in ClinVar:

NM_000053.4(ATP7B):c.637A>G (p.Lys213Glu)

Gene: ATP7B (ATPase copper transporting beta; minus strand). Cytogenetic location: 13q14.3.
Variant type: single nucleotide variant.
Coding change: c.637A>G on transcript NM_000053.4 (MANE Select); coding-DNA position 637, A replaced by G.
Protein change: p.Lys213Glu; replaces lysine 213 with glutamic acid.
Molecular consequence: missense variant.
Genome position (GRCh38, 1-based): chr13:51,974,583, T>C on the plus strand (A>G on the coding strand, the complement: ATP7B is on the minus strand). VCF-style: chr13-51974583-T-C. GRCh37 (hg19) VCF-style: chr13-52548719-T-C.
Other names: c.637A>G, p.Lys213Glu (NM_001406521.1, NM_001406522.1, NM_001406523.1 and 30 more transcripts); c.541A>G, p.Lys181Glu (NM_001406530.1, NM_001406543.1, NM_001406544.1 and 4 more transcripts); short protein forms K181E, K213E.
Identifiers: ClinVar variation 3385800 (VCV003385800.1).
Genomic context (GRCh38, chr13:51,974,583, plus strand): 5'-TTGGGTTAGTGCTTTGTAACCGCTCAATATCAATTGGTCCCAGGCTTAAGGGAGCCACTT[T>C]GCTCTTGATGGCAGCTTCAAATCCCATGTCATTTACATGGTCCCTGAGGTCTTCGGGCTG-3'
Protein context (NP_000044.2, residues 203-223): DMGFEAAIKS[Lys213Glu]VAPLSLGPID

ClinVar aggregate classification (germline): Uncertain significance (1 of 4 stars; one submission).

Conditions:
Wilson disease (WND). Also called: Wilson's disease. Identifiers: Orphanet 905, MedGen C0019202, MONDO:0010200, OMIM 277900. Disease mechanism: loss of function.

Submission:

All of Us Research Program, National Institutes of Health
Classification: Uncertain significance for Wilson disease. Last evaluated: 2024-02-22. Review status: criteria provided, single submitter. Criteria: ACMG Guidelines, 2015. Collection method: clinical testing. Allele origin: germline. Inheritance: Autosomal recessive inheritance. Observed: 1 variant allele, 1 heterozygote.
Comment: This missense variant replaces lysine with glutamic acid at codon 213 of the ATP7B protein. Computational prediction is inconclusive regarding the impact of this variant on protein structure and function (internally defined REVEL score threshold 0.5 < inconclusive < 0.7, PMID: 27666373). To our knowledge, functional studies have not been reported for this variant. This variant has not been reported in individuals affected with ATP7B-related disorders in the literature. This variant has not been identified in the general population by the Genome Aggregation Database (gnomAD). The available evidence is insufficient to determine the role of this variant in disease conclusively. Therefore, this variant is classified as a Variant of Uncertain Significance.

This study involves interpretation of variants in research participants for the purpose of population health screening. Participant phenotype was not available at the time of variant classification. Additional details can be found in publication PMID: 35346344, PMCID: PMC8962531